The following is an entry in ClinVar:

NM_000465.4(BARD1):c.657T>A (p.Asn219Lys)

Gene: BARD1 (BRCA1 associated RING domain 1; minus strand). Cytogenetic location: 2q35.
Variant type: single nucleotide variant.
Coding change: c.657T>A on transcript NM_000465.4 (MANE Select); coding-DNA position 657, T replaced by A.
Protein change: p.Asn219Lys; replaces asparagine 219 with lysine.
Molecular consequence: missense variant. On other transcripts: non-coding transcript variant (2), intron variant (3).
Genome position (GRCh38, 1-based): chr2:214,781,217, A>T on the plus strand (T>A on the coding strand, the complement: BARD1 is on the minus strand). VCF-style: chr2-214781217-A-T. GRCh37 (hg19) VCF-style: chr2-215645941-A-T.
Other names: c.657T>A (NM_000465.2); c.600T>A, p.Asn200Lys (NM_001282543.2); c.158+28195T>A (NM_001282548.2); c.215+15844T>A (NM_001282545.2); c.364+11080T>A (NM_001282549.2); short protein forms N200K, N219K.
Identifiers: ClinVar variation 2831361 (VCV002831361.4), dbSNP rs2106111146, ClinGen allele CA350456552.

ClinVar aggregate classification (germline): Uncertain significance. Review status: criteria provided, multiple submitters, no conflicts (2 of 4 stars). 2 submissions from 2 submitters: Uncertain significance (2). Last evaluated 2024-08-18.

Conditions:
Hereditary cancer-predisposing syndrome. Also called: Neoplastic Syndromes, Hereditary; Tumor predisposition; Hereditary Cancer Syndrome; Hereditary neoplastic syndrome. Identifiers: Orphanet 140162, MedGen C0027672, MeSH D009386, MONDO:0015356.
Familial cancer of breast. Also called: hereditary breast carcinoma; BREAST CANCER, FAMILIAL; Hereditary breast cancer. Identifiers: Orphanet 227535, MedGen C0346153, MONDO:0016419, OMIM 114480. Disease mechanism: loss of function.

Allele frequency attached by ClinVar (database versions not stated): gnomAD exomes below 0.00001.
gnomAD v4.1: 1 of 1,593,842 alleles (0.000063%); highest among the groups gnomAD compares: South Asian, 0.0012%; no homozygotes.

Submissions (2):

Ambry Genetics
Classification: Uncertain significance for Hereditary cancer-predisposing syndrome. Last evaluated: 2024-08-18. Review status: criteria provided, single submitter. Criteria: Ambry Variant Classification Scheme 2023. Collection method: clinical testing. Allele origin: germline.
Comment: The p.N219K variant (also known as c.657T>A), located in coding exon 4 of the BARD1 gene, results from a T to A substitution at nucleotide position 657. The asparagine at codon 219 is replaced by lysine, an amino acid with similar properties. This amino acid position is conserved. In addition, this alteration is predicted to be tolerated by in silico analysis. Based on the available evidence, the clinical significance of this variant remains unclear.

Labcorp Genetics (formerly Invitae), Labcorp
Classification: Uncertain significance for Familial cancer of breast. Last evaluated: 2024-04-02. Review status: criteria provided, single submitter. Criteria: Invitae Variant Classification Sherloc (09022015). Collection method: clinical testing. Allele origin: germline.
Comment: This sequence change replaces asparagine, which is neutral and polar, with lysine, which is basic and polar, at codon 219 of the BARD1 protein (p.Asn219Lys). This variant is not present in population databases (gnomAD no frequency). This variant has not been reported in the literature in individuals affected with BARD1-related conditions. An algorithm developed to predict the effect of missense changes on protein structure and function (PolyPhen-2) suggests that this variant is likely to be tolerated. In summary, the available evidence is currently insufficient to determine the role of this variant in disease. Therefore, it has been classified as a Variant of Uncertain Significance.